The following is an entry in ClinVar:

NM_000127.3(EXT1):c.934T>C (p.Cys312Arg)

Gene: EXT1 (exostosin glycosyltransferase 1; minus strand). Cytogenetic location: 8q24.11.
Variant type: single nucleotide variant.
Coding change: c.934T>C on transcript NM_000127.3 (MANE Select); coding-DNA position 934, T replaced by C.
Protein change: p.Cys312Arg; replaces cysteine 312 with arginine.
Molecular consequence: missense variant.
Genome position (GRCh38, 1-based): chr8:118,110,113, A>G on the plus strand (T>C on the coding strand, the complement: EXT1 is on the minus strand). VCF-style: chr8-118110113-A-G. GRCh37 (hg19) VCF-style: chr8-119122352-A-G.
Other names: short protein forms C312R.
Identifiers: ClinVar variation 838405 (VCV000838405.9), dbSNP rs1817867776, ClinGen allele CA371914723.
Genomic context (GRCh38, chr8:118,110,113, plus strand): 5'-ACTCCCAAAGACACGCCAGCCCAGACACTTACTTCTCATACTCGGTGTTGTCTCTGTCAC[A>G]GCGAGAATCCTTGTGCTTTTGCCAGTCTTTGCCATGCTTGCAGGTGGTGAGGAGCACAAC-3'
Protein context (NP_000118.2, residues 302-322): KDWQKHKDSR[Cys312Arg]DRDNTEYEKY

ClinVar aggregate classification (germline): Likely pathogenic (1 of 4 stars; one submission).

Conditions:
Multiple congenital exostosis (EXT). Also called: Hereditary multiple exostoses; Hereditary multiple exostosis; Hereditary multiple osteochondromas; MULTIPLE CARTILAGINOUS EXOSTOSES; Multiple exostoses; Multiple osteochondromas. Identifiers: Orphanet 321, MedGen C0015306, MONDO:0005508, HP:0002762.

Submission:

Labcorp Genetics (formerly Invitae), Labcorp
Classification: Likely pathogenic for Multiple congenital exostosis. Last evaluated: 2019-11-21. Review status: criteria provided, single submitter. Criteria: Invitae Variant Classification Sherloc (09022015). Collection method: clinical testing. Allele origin: germline.
Comment: This variant has been observed in individual(s) with hereditary multiple osteochondromatosis (Invitae). In at least one individual the variant was observed to be de novo. This variant is not present in population databases (ExAC no frequency). This sequence change replaces cysteine with arginine at codon 312 of the EXT1 protein (p.Cys312Arg). The cysteine residue is highly conserved and there is a large physicochemical difference between cysteine and arginine. Algorithms developed to predict the effect of missense changes on protein structure and function are either unavailable or do not agree on the potential impact of this missense change (SIFT: "Deleterious"; PolyPhen-2: "Probably Damaging"; Align-GVGD: "Class C0"). In summary, the currently available evidence indicates that the variant is pathogenic, but additional data are needed to prove that conclusively. Therefore, this variant has been classified as Likely Pathogenic.